The following is an entry in ClinVar:

NM_012123.4(MTO1):c.1994A>G (p.Gln665Arg)

Gene: MTO1 (mitochondrial tRNA translation optimization 1; plus strand). Cytogenetic location: 6q13.
Variant type: single nucleotide variant.
Coding change: c.1994A>G on transcript NM_012123.4 (MANE Select); coding-DNA position 1994, A replaced by G.
Protein change: p.Gln665Arg; replaces glutamine 665 with arginine.
Molecular consequence: missense variant.
Genome position (GRCh38, 1-based): chr6:73,500,650, A>G. VCF-style: chr6-73500650-A-G. GRCh37 (hg19) VCF-style: chr6-74210373-A-G.
Other names: c.2114A>G, p.Gln705Arg (NM_001123226.2); c.2069A>G, p.Gln690Arg (NM_133645.3); short protein forms Q690R, Q665R, Q705R.
Identifiers: ClinVar variation 2164478 (VCV002164478.1), dbSNP rs2533317013, ClinGen allele CA364701922.

ClinVar aggregate classification (germline): Uncertain significance (1 of 4 stars; one submission).

Conditions:
Mitochondrial hypertrophic cardiomyopathy with lactic acidosis due to MTO1 deficiency. Also called: Combined oxidative phosphorylation deficiency 10; CARDIOMYOPATHY, INFANTILE HYPERTROPHIC MITOCHONDRIAL, AND LACTIC ACIDOSIS. Identifiers: Orphanet 314637, MedGen C4749921, MONDO:0013865, OMIM 614702.

Allele frequency attached by ClinVar (database versions not stated): gnomAD exomes below 0.00001.
gnomAD v4.1: 2 of 1,614,036 alleles (0.00012%); highest among the groups gnomAD compares: African/African-American, 0.0013%; no homozygotes.

Submission:

Labcorp Genetics (formerly Invitae), Labcorp
Classification: Uncertain significance for Mitochondrial hypertrophic cardiomyopathy with lactic acidosis due to MTO1 deficiency. Last evaluated: 2022-07-04. Review status: criteria provided, single submitter. Criteria: Invitae Variant Classification Sherloc (09022015). Collection method: clinical testing. Allele origin: germline.
Comment: This sequence change replaces glutamine, which is neutral and polar, with arginine, which is basic and polar, at codon 665 of the MTO1 protein (p.Gln665Arg). This variant is not present in population databases (gnomAD no frequency). This variant has not been reported in the literature in individuals affected with MTO1-related conditions. Algorithms developed to predict the effect of missense changes on protein structure and function output the following: SIFT: "Tolerated"; PolyPhen-2: "Benign"; Align-GVGD: "Class C0". The arginine amino acid residue is found in multiple mammalian species, which suggests that this missense change does not adversely affect protein function. In summary, the available evidence is currently insufficient to determine the role of this variant in disease. Therefore, it has been classified as a Variant of Uncertain Significance.